The following is an entry in ClinVar:

ClinVar aggregate classification (germline): Uncertain significance (1 of 4 stars; one submission).

Submission:

GeneDx
Classification: Uncertain significance. Last evaluated: 2026-03-04. Review status: criteria provided, single submitter. Criteria: GeneDx Variant Classification Process June 2021. Collection method: clinical testing. Allele origin: germline.
Comment: Not observed at significant frequency in large population cohorts (gnomAD); Missense variants in this gene are a common cause of disease and they are underrepresented in the general population; In silico analysis suggests that this missense variant does not alter protein structure/function; Has not been previously published as pathogenic or benign to our knowledge; This variant is associated with the following publications: (PMID: 26432019)

NM_003334.4(UBA1):c.3046A>G (p.Thr1016Ala)

Gene: UBA1 (ubiquitin like modifier activating enzyme 1; plus strand). Cytogenetic location: Xp11.3.
Variant type: single nucleotide variant.
Coding change: c.3046A>G on transcript NM_003334.4 (MANE Select); coding-DNA position 3046, A replaced by G.
Protein change: p.Thr1016Ala; replaces threonine 1016 with alanine.
Molecular consequence: missense variant.
Genome position (GRCh38, 1-based): chrX:47,214,798, A>G. VCF-style: chrX-47214798-A-G. GRCh37 (hg19) VCF-style: chrX-47074197-A-G.
Other names: c.3088A>G, p.Thr1030Ala (NM_001440807.1); c.3064A>G, p.Thr1022Ala (NM_001440809.1, NM_001440810.1); c.3046A>G, p.Thr1016Ala (NM_001440811.1, NM_001440812.1, NM_153280.3); short protein forms T1030A, T1022A, T1016A.
Identifiers: ClinVar variation 5008155 (VCV005008155.1).